The following is an entry in ClinVar:

ClinVar aggregate classification (germline): Uncertain significance. Review status: criteria provided, multiple submitters, no conflicts (2 of 4 stars). 2 submissions from 2 submitters: Uncertain significance (2). Last evaluated 2024-12-30.

Conditions:
Hereditary cancer-predisposing syndrome. Also called: Tumor predisposition; Hereditary neoplastic syndrome; Neoplastic Syndromes, Hereditary; Hereditary Cancer Syndrome. Identifiers: Orphanet 140162, MedGen C0027672, MeSH D009386, MONDO:0015356.
Familial melanoma. Also called: Hereditary melanoma; Hereditary cutaneous melanoma. Identifiers: Orphanet 618, MedGen C1512419, MONDO:0018961.

Allele frequency attached by ClinVar (database versions not stated): gnomAD exomes below 0.00001.
gnomAD v4.1: 1 of 1,608,310 alleles (0.000062%); highest among the groups gnomAD compares: Admixed American, 0.0017%; no homozygotes.

Submissions (2):

Labcorp Genetics (formerly Invitae), Labcorp
Classification: Uncertain significance for Familial melanoma. Last evaluated: 2024-12-30. Review status: criteria provided, single submitter. Criteria: Invitae Variant Classification Sherloc (09022015). Collection method: clinical testing. Allele origin: germline.
Comment: This sequence change replaces alanine, which is neutral and non-polar, with aspartic acid, which is acidic and polar, at codon 21 of the CDKN2A (p16INK4a) protein (p.Ala21Asp). This variant is present in population databases (no rsID available, gnomAD 0.003%). This variant has not been reported in the literature in individuals affected with CDKN2A (p16INK4a)-related conditions. ClinVar contains an entry for this variant (Variation ID: 1392805). An algorithm developed to predict the effect of missense changes on protein structure and function (PolyPhen-2) suggests that this variant is likely to be disruptive. In summary, the available evidence is currently insufficient to determine the role of this variant in disease. Therefore, it has been classified as a Variant of Uncertain Significance.

Ambry Genetics
Classification: Uncertain significance for Hereditary cancer-predisposing syndrome. Last evaluated: 2023-09-27. Review status: criteria provided, single submitter. Criteria: Ambry Variant Classification Scheme 2023. Collection method: clinical testing. Allele origin: germline.
Comment: The p.A21D variant (also known as c.62C>A), located in coding exon 1 of the CDKN2A gene, results from a C to A substitution at nucleotide position 62. The alanine at codon 21 is replaced by aspartic acid, an amino acid with dissimilar properties. This amino acid position is highly conserved in available vertebrate species. In addition, this alteration is predicted to be deleterious by in silico analysis. Since supporting evidence is limited at this time, the clinical significance of this alteration remains unclear.

NM_000077.5(CDKN2A):c.62C>A (p.Ala21Asp)

Gene: CDKN2A (cyclin dependent kinase inhibitor 2A; minus strand). Cytogenetic location: 9p21.3.
Variant type: single nucleotide variant.
Coding change: c.62C>A on transcript NM_000077.5; coding-DNA position 62, C replaced by A.
Protein change: p.Ala21Asp; replaces alanine 21 with aspartic acid.
Molecular consequence: missense variant (on NM_000077.6). On other transcripts: intron variant (2).
Genome position (GRCh38, 1-based): chr9:21,974,766, G>T on the plus strand (C>A on the coding strand, the complement: CDKN2A is on the minus strand). VCF-style: chr9-21974766-G-T. GRCh37 (hg19) VCF-style: chr9-21974765-G-T.
Other names: c.62C>A, p.Ala21Asp (NM_000077.6, NM_001195132.2, NM_058197.5); c.-3-3558C>A (NM_001363763.2); c.194-3558C>A (NM_058195.4); short protein forms A21D.
Identifiers: ClinVar variation 1392805 (VCV001392805.7), dbSNP rs1329324238, ClinGen allele CA373086629.
Genomic context (GRCh38, chr9:21,974,766, plus strand): 5'-GGTGCGTTGGGCAGCGCCCCCGCCTCCAGCAGCGCCCGCACCTCCTCTACCCGACCCCGG[G>T]CCGCGGCCGTGGCCAGCCAGTCAGCCGAAGGCTCCATGCTGCTCCCCGCCGCCGGCTCCA-3'
Protein context (NP_000068.1, residues 11-31): PSADWLATAA[Ala21Asp]RGRVEEVRAL